The following is an entry in ClinVar:

NM_015202.5(KATNIP):c.603C>T (p.Ser201=)

Gene: KATNIP (katanin interacting protein; plus strand). Cytogenetic location: 16p12.1.
Variant type: single nucleotide variant.
Coding change: c.603C>T on transcript NM_015202.5 (MANE Select); coding-DNA position 603, C replaced by T.
Protein change: p.Ser201=; no amino-acid change (serine 201 retained).
Molecular consequence: synonymous variant.
Genome position (GRCh38, 1-based): chr16:27,677,791, C>T. VCF-style: chr16-27677791-C-T. GRCh37 (hg19) VCF-style: chr16-27689112-C-T.
Identifiers: ClinVar variation 1991427 (VCV001991427.28), dbSNP rs771407596, ClinGen allele CA7977399.
Genomic context (GRCh38, chr16:27,677,791, plus strand): 5'-GCTGAGAAGAAGCCTGGAACTTAGTGTAAATCTACAAAGGAAACAAAAGGATTGTTCCAG[C>T]GATGAGTATGACTCTATTGAGGAAGACATACTCTCTGAGCCTGAGCCAGAGGACCCGGCA-3'
Protein context (NP_056017.4, residues 191-211): NLQRKQKDCS[Ser201=]DEYDSIEEDI

ClinVar aggregate classification (germline): Likely benign. Review status: criteria provided, multiple submitters, no conflicts (2 of 4 stars). 2 submissions from 2 submitters: Likely benign (2). Last evaluated 2025-10-27.

Allele frequency attached by ClinVar (database versions not stated): gnomAD exomes 0.00003; ExAC 0.00004; gnomAD 0.00004; TOPMed 0.00005.
gnomAD v4.1: 56 of 1,613,992 alleles (0.0035%); highest among the groups gnomAD compares: South Asian, 0.0088%; no homozygotes.

Submissions (2):

Labcorp Genetics (formerly Invitae), Labcorp
Classification: Likely benign. Last evaluated: 2025-10-27. Review status: criteria provided, single submitter. Criteria: Invitae Variant Classification Sherloc (09022015). Collection method: clinical testing. Allele origin: germline.

CeGaT Center for Human Genetics Tuebingen
Classification: Likely benign. Last evaluated: 2022-06-01. Review status: criteria provided, single submitter. Criteria: CeGaT Center For Human Genetics Tuebingen Variant Classification Criteria Version 2. Collection method: clinical testing. Allele origin: germline. Affected: yes. Observed: 1 variant allele.
Comment: KATNIP: BP4, BP7